The following is an entry in ClinVar:

ClinVar aggregate classification (germline): Uncertain significance (1 of 4 stars; one submission).

Conditions:
Hereditary cancer-predisposing syndrome. Also called: Neoplastic Syndromes, Hereditary; Tumor predisposition; Hereditary Cancer Syndrome; Hereditary neoplastic syndrome. Identifiers: Orphanet 140162, MedGen C0027672, MeSH D009386, MONDO:0015356.

gnomAD v4.1: 3 of 1,596,934 alleles (0.00019%); highest among the groups gnomAD compares: Non-Finnish European, 0.00025%; no homozygotes.

Submission:

Ambry Genetics
Classification: Uncertain significance for Hereditary cancer-predisposing syndrome. Last evaluated: 2026-04-28. Review status: criteria provided, single submitter. Criteria: Ambry Variant Classification Scheme 2023. Collection method: clinical testing. Allele origin: germline.
Comment: The c.1351-5C>T intronic variant results from a C to T substitution 5 nucleotides upstream from coding exon 9 in the MEN1 gene. This nucleotide position is well conserved in available vertebrate species. In silico splice site analysis predicts that this alteration will not have any significant effect on splicing. Based on the available evidence, the clinical significance of this variant remains unclear.

NM_001370259.2(MEN1):c.1351-5C>T

Gene: MEN1 (menin 1; minus strand). Cytogenetic location: 11q13.1.
Variant type: single nucleotide variant.
Coding change: c.1351-5C>T on transcript NM_001370259.2 (MANE Select); 5 bases into the intron before coding-DNA position 1351, C replaced by T.
Molecular consequence: intron variant.
Genome position (GRCh38, 1-based): chr11:64,804,821, G>A on the plus strand (C>T on the coding strand, the complement: MEN1 is on the minus strand). VCF-style: chr11-64804821-G-A. GRCh37 (hg19) VCF-style: chr11-64572293-G-A.
Other names: c.1366-5C>T (NM_130801.3, NM_130800.3, NM_001407145.1 and 4 more transcripts); c.1246-5C>T (NM_001370263.2, NM_001370262.2, NM_001407148.1 and 1 more transcripts); c.1186-5C>T (NM_001407152.1); c.1477-5C>T (NM_001407142.1, NM_001407143.1, NM_001407144.1 and 1 more transcripts); c.1351-5C>T (NM_001407146.1, NM_001407147.1, NM_001370261.2 and 2 more transcripts); c.1492-5C>T (NM_001407150.1); c.1372-5C>T (NM_001407151.1).
Identifiers: ClinVar variation 4859887 (VCV004859887.1).